The following is an entry in ClinVar:

ClinVar aggregate classification (germline): Pathogenic/Likely pathogenic. Review status: criteria provided, multiple submitters, no conflicts (2 of 4 stars). 4 submissions from 4 submitters: Pathogenic (1); Likely pathogenic (3). Last evaluated 2025-12-10.

Conditions:
Hereditary cancer-predisposing syndrome. Also called: Neoplastic Syndromes, Hereditary; Tumor predisposition; Hereditary Cancer Syndrome; Hereditary neoplastic syndrome. Identifiers: Orphanet 140162, MedGen C0027672, MeSH D009386, MONDO:0015356.
Familial cancer of breast. Also called: Hereditary breast cancer; BREAST CANCER, FAMILIAL; hereditary breast carcinoma. Identifiers: Orphanet 227535, MedGen C0346153, MONDO:0016419, OMIM 114480. Disease mechanism: loss of function.
Ataxia-telangiectasia syndrome (AT). Also called: Ataxia telangiectasia (A-T); Ataxia-telangiectasia, complementation group D; AT, COMPLEMENTATION GROUP C; ATAXIA-TELANGIECTASIA, COMPLEMENTATION GROUP A; Ataxia-telangiectasia, complementation group E; ATAXIA-TELANGIECTASIA, FRESNO VARIANT. Identifiers: Orphanet 100, MedGen C0004135, MONDO:0008840, OMIM 208900.

Submissions (5):

Labcorp Genetics (formerly Invitae), Labcorp
Classification: Pathogenic for Ataxia-telangiectasia syndrome. Last evaluated: 2025-12-10. Review status: criteria provided, single submitter. Criteria: Invitae Variant Classification Sherloc (09022015). Collection method: clinical testing. Allele origin: germline.
Comment: This sequence change creates a premature translational stop signal (p.Glu166*) in the ATM gene. It is expected to result in an absent or disrupted protein product. Loss-of-function variants in ATM are known to be pathogenic (PMID: 23807571, 25614872). This variant is not present in population databases (gnomAD no frequency). This variant has not been reported in the literature in individuals affected with ATM-related conditions. ClinVar contains an entry for this variant (Variation ID: 567375). Algorithms developed to predict the effect of sequence changes on RNA splicing suggest that this variant may disrupt the consensus splice site. For these reasons, this variant has been classified as Pathogenic.

Ambry Genetics
Classification: Likely pathogenic for Hereditary cancer-predisposing syndrome. Last evaluated: 2025-05-22. Review status: criteria provided, single submitter. Criteria: Ambry Variant Classification Scheme 2023. Collection method: clinical testing. Allele origin: germline.
Comment: The c.496G>T variant (also known as p.E166*), located in coding exon 4 of the ATM gene, results from a G to T substitution at nucleotide position 496. This changes the amino acid from a glutamic acid to a stop codon; however, this change occurs in the last base pair of coding exon 4 and may have some effect on normal mRNA splicing. This nucleotide position is highly conserved in available vertebrate species. In silico splice site analysis predicts that this alteration will weaken the native splice donor site. RNA studies have demonstrated that this alteration results in abnormal splicing in the set of samples tested (Ambry internal data). Based on the majority of available evidence to date, this variant is likely to be pathogenic.

Natera, Inc.
Classification: Likely pathogenic for Ataxia-telangiectasia. Last evaluated: 2024-03-22. Review status: criteria provided, single submitter. Criteria: Natera Variant Classification Schema (03/2026). Collection method: clinical testing. Allele origin: germline.
Comment: The c.496G>T variant in ATM is a nonsense variant predicted to introduce a stop codon at amino acid 166. This variant is expected to result in nonsense mediated decay, truncation, or a dysfunctional protein product. This variant is rare in the general population with a frequency below the threshold expected for the associated phenotype(s). Given the available evidence, this variant is classified as Likely Pathogenic.

Baylor Genetics
Classification: Likely pathogenic for Familial cancer of breast. Last evaluated: 2021-12-14. Review status: criteria provided, single submitter. Criteria: ACMG Guidelines, 2015. Collection method: clinical testing. Allele origin: unknown.

Dr. Peter K. Rogan Lab, Western University
No classification provided (evidence only). Condition: Malignant tumor of esophagus. Review status: no classification provided. Collection method: in vitro. Allele origin: not applicable. Functional consequence: skipped exon. Not counted in ClinVar's aggregate classification.

Literature cited by the submitters: PubMed 23807571 (cited by Labcorp Genetics (formerly Invitae), Labcorp); PubMed 25614872 (cited by Labcorp Genetics (formerly Invitae), Labcorp).

NM_000051.4(ATM):c.496G>T (p.Glu166Ter)

Gene: ATM (ATM serine/threonine kinase; plus strand). Cytogenetic location: 11q22.3.
Variant type: single nucleotide variant.
Coding change: c.496G>T on transcript NM_000051.4 (MANE Select); coding-DNA position 496, G replaced by T.
Protein change: p.Glu166Ter; replaces glutamic acid 166 with a stop codon.
Molecular consequence: nonsense.
Genome position (GRCh38, 1-based): chr11:108,235,834, G>T. VCF-style: chr11-108235834-G-T. GRCh37 (hg19) VCF-style: chr11-108106561-G-T.
Other names: c.496G>T, p.Glu166Ter (NM_001351834.2); short protein forms E166*.
Identifiers: ClinVar variation 567375 (VCV000567375.13), dbSNP rs1565357473, ClinGen allele CA382525786.
Genomic context (GRCh38, chr11:108,235,834, plus strand): 5'-CTCAAAGACATTCTTTCTGTGAGAAAATACTGGTGTGAAATATCTCAGCAACAGTGGTTA[G>T]GTATGTTTTGAAGGTTGTTGTTTGTGAATTTTTCCTCATGAAATGAAACTTCACCAAAGA-3'